The following is an entry in ClinVar:

NM_022726.4(ELOVL4):c.65C>T (p.Thr22Met)

Gene: ELOVL4 (ELOVL fatty acid elongase 4; minus strand). Cytogenetic location: 6q14.1.
Variant type: single nucleotide variant.
Coding change: c.65C>T on transcript NM_022726.4 (MANE Select); coding-DNA position 65, C replaced by T.
Protein change: p.Thr22Met; replaces threonine 22 with methionine.
Molecular consequence: missense variant.
Genome position (GRCh38, 1-based): chr6:79,947,215, G>A on the plus strand (C>T on the coding strand, the complement: ELOVL4 is on the minus strand). VCF-style: chr6-79947215-G-A. GRCh37 (hg19) VCF-style: chr6-80656932-G-A.
Other names: short protein forms T22M.
Identifiers: ClinVar variation 3678326 (VCV003678326.2).
Genomic context (GRCh38, chr6:79,947,215, plus strand): 5'-AGGATGGGGAAGTCAGCGGCTTTACCTGCGATGGACCAGGTCCAGCGGTAGAACTCTACC[G>A]TGTCGTTGAGTGCCGTGGACACTACGTTTAGGACACTACCCGGCTCCGAGTCCAGGAGCC-3'
Protein context (NP_073563.1, residues 12-32): LNVVSTALND[Thr22Met]VEFYRWTWSI

ClinVar aggregate classification (germline): Uncertain significance (1 of 4 stars; one submission).

gnomAD v4.1: 1 of 1,613,196 alleles (0.000062%); highest among the groups gnomAD compares: East Asian, 0.0022%; no homozygotes.

Submission:

Labcorp Genetics (formerly Invitae), Labcorp
Classification: Uncertain significance. Last evaluated: 2024-09-20. Review status: criteria provided, single submitter. Criteria: Invitae Variant Classification Sherloc (09022015). Collection method: clinical testing. Allele origin: germline.
Comment: This sequence change replaces threonine, which is neutral and polar, with methionine, which is neutral and non-polar, at codon 22 of the ELOVL4 protein (p.Thr22Met). This variant is not present in population databases (gnomAD no frequency). This variant has not been reported in the literature in individuals affected with ELOVL4-related conditions. An algorithm developed to predict the effect of missense changes on protein structure and function (PolyPhen-2) suggests that this variant is likely to be tolerated. In summary, the available evidence is currently insufficient to determine the role of this variant in disease. Therefore, it has been classified as a Variant of Uncertain Significance.